The following is an entry in ClinVar:

NM_004035.7(ACOX1):c.1495G>T (p.Ala499Ser)

Gene: ACOX1 (acyl-CoA oxidase 1; minus strand). Cytogenetic location: 17q25.1.
Variant type: single nucleotide variant.
Coding change: c.1495G>T on transcript NM_004035.7 (MANE Select); coding-DNA position 1495, G replaced by T.
Protein change: p.Ala499Ser; replaces alanine 499 with serine.
Molecular consequence: missense variant.
Genome position (GRCh38, 1-based): chr17:75,949,584, C>A on the plus strand (G>T on the coding strand, the complement: ACOX1 is on the minus strand). VCF-style: chr17-75949584-C-A. GRCh37 (hg19) VCF-style: chr17-73945665-C-A.
Other names: c.1495G>T (NM_004035.6); c.1381G>T, p.Ala461Ser (NM_001185039.2); c.1495G>T, p.Ala499Ser (NM_007292.6); short protein forms A461S, A499S.
Identifiers: ClinVar variation 2201110 (VCV002201110.3), dbSNP rs540115931, ClinGen allele CA8776747.

ClinVar aggregate classification (germline): Uncertain significance. Review status: criteria provided, multiple submitters, no conflicts (2 of 4 stars). 2 submissions from 2 submitters: Uncertain significance (2). Last evaluated 2023-02-07.

Conditions:
Inborn genetic diseases. Identifiers: MedGen C0950123, MeSH D030342.
Acyl-CoA oxidase deficiency. Also called: Peroxisomal acyl-CoA oxidase deficiency; STRAIGHT-CHAIN ACYL-CoA OXIDASE DEFICIENCY; Pseudoneonatal adrenoleukodystrophy. Identifiers: Orphanet 2971, MedGen C1849678, MONDO:0009919, OMIM 264470. Disease mechanism: loss of function.

Allele frequency attached by ClinVar (database versions not stated): ExAC 0.00002; 1000 Genomes Project 30x 0.00016; 1000 Genomes Project 0.00020.
gnomAD v4.1: 17 of 1,614,094 alleles (0.0011%); highest among the groups gnomAD compares: East Asian, 0.022%; no homozygotes.

Submissions (2):

Ambry Genetics
Classification: Uncertain significance for Inborn genetic diseases. Last evaluated: 2023-02-07. Review status: criteria provided, single submitter. Criteria: Ambry Variant Classification Scheme 2023. Collection method: clinical testing. Allele origin: germline.

Labcorp Genetics (formerly Invitae), Labcorp
Classification: Uncertain significance for Acyl-CoA oxidase deficiency. Last evaluated: 2021-08-28. Review status: criteria provided, single submitter. Criteria: Invitae Variant Classification Sherloc (09022015). Collection method: clinical testing. Allele origin: germline.
Comment: This sequence change replaces alanine with serine at codon 499 of the ACOX1 protein (p.Ala499Ser). The alanine residue is moderately conserved and there is a moderate physicochemical difference between alanine and serine. This variant is present in population databases (rs540115931, ExAC 0.02%). This variant has not been reported in the literature in individuals affected with ACOX1-related conditions. Algorithms developed to predict the effect of missense changes on protein structure and function are either unavailable or do not agree on the potential impact of this missense change (SIFT: "Tolerated"; PolyPhen-2: "Possibly Damaging"; Align-GVGD: "Class C0"). In summary, the available evidence is currently insufficient to determine the role of this variant in disease. Therefore, it has been classified as a Variant of Uncertain Significance.